The following is an entry in ClinVar:

ClinVar aggregate classification (germline): Uncertain significance (1 of 4 stars; one submission).

Allele frequency attached by ClinVar (database versions not stated): ExAC below 0.00001; gnomAD exomes below 0.00001 and 0.00001; TOPMed below 0.00001.

Submission:

GeneDx
Classification: Uncertain significance. Last evaluated: 2016-06-03. Review status: criteria provided, single submitter. Criteria: GeneDx Variant Classification (06012015). Collection method: clinical testing. Allele origin: germline. Affected: yes.
Comment: The G598R variant in the ANK3 gene has not been reported previously as a pathogenic variant, nor as a benign variant, to our knowledge. The G598R variant was not observed in approximately 6500 individuals of European and African American ancestry in the NHLBI Exome Sequencing Project, indicating it is not a common benign variant in these populations. The G598R variant is a non-conservative amino acid substitution, which is likely to impact secondary protein structure as these residues differ in polarity, charge, size and/or other properties. This substitution occurs at a position that is conserved across species. In silico analysis predicts this variant is probably damaging to the protein structure/function. We interpret G598R as a variant of uncertain significance.

NM_020987.5(ANK3):c.1792G>A (p.Gly598Arg)

Gene: ANK3 (ankyrin 3; minus strand). Cytogenetic location: 10q21.2.
Variant type: single nucleotide variant.
Coding change: c.1792G>A on transcript NM_020987.5 (MANE Select); coding-DNA position 1792, G replaced by A.
Protein change: p.Gly598Arg; replaces glycine 598 with arginine.
Molecular consequence: missense variant.
Genome position (GRCh38, 1-based): chr10:60,196,240, C>T on the plus strand (G>A on the coding strand, the complement: ANK3 is on the minus strand). VCF-style: chr10-60196240-C-T. GRCh37 (hg19) VCF-style: chr10-61955998-C-T.
Other names: c.1774G>A, p.Gly592Arg (NM_001204403.2); c.1741G>A, p.Gly581Arg (NM_001204404.2); c.1792G>A, p.Gly598Arg (NM_001320874.2); short protein forms G592R, G598R, G581R.
Identifiers: ClinVar variation 386825 (VCV000386825.2), dbSNP rs770048872, ClinGen allele CA5513018.